The following is an entry in ClinVar:

ClinVar aggregate classification (germline): Uncertain significance. Review status: criteria provided, multiple submitters, no conflicts (2 of 4 stars). 2 submissions from 2 submitters: Uncertain significance (2). Last evaluated 2024-07-25.

Allele frequency attached by ClinVar (database versions not stated): TOPMed below 0.00001.

Submissions (2):

Labcorp Genetics (formerly Invitae), Labcorp
Classification: Uncertain significance. Last evaluated: 2024-07-25. Review status: criteria provided, single submitter. Criteria: Invitae Variant Classification Sherloc (09022015). Collection method: clinical testing. Allele origin: germline.
Comment: This sequence change replaces glycine, which is neutral and non-polar, with valine, which is neutral and non-polar, at codon 102 of the TERF2IP protein (p.Gly102Val). The frequency data for this variant in the population databases is considered unreliable, as metrics indicate poor data quality at this position in the gnomAD database. This variant has not been reported in the literature in individuals affected with TERF2IP-related conditions. ClinVar contains an entry for this variant (Variation ID: 1799355). An algorithm developed to predict the effect of missense changes on protein structure and function (PolyPhen-2) suggests that this variant is likely to be disruptive. In summary, the available evidence is currently insufficient to determine the role of this variant in disease. Therefore, it has been classified as a Variant of Uncertain Significance.

Ambry Genetics
Classification: Uncertain significance. Last evaluated: 2024-06-28. Review status: criteria provided, single submitter. Criteria: Ambry Variant Classification Scheme 2023. Collection method: clinical testing. Allele origin: germline.
Comment: The p.G102V variant (also known as c.305G>T), located in coding exon 1 of the TERF2IP gene, results from a G to T substitution at nucleotide position 305. The glycine at codon 102 is replaced by valine, an amino acid with dissimilar properties. This amino acid position is conserved. In addition, this alteration is predicted to be tolerated by in silico analysis. Since supporting evidence is limited at this time, the clinical significance of this alteration remains unclear.

NM_018975.4(TERF2IP):c.305G>T (p.Gly102Val)

Gene: TERF2IP (TERF2 interacting protein; plus strand). Cytogenetic location: 16q23.1.
Variant type: single nucleotide variant.
Coding change: c.305G>T on transcript NM_018975.4 (MANE Select); coding-DNA position 305, G replaced by T.
Protein change: p.Gly102Val; replaces glycine 102 with valine.
Molecular consequence: missense variant. On other transcripts: non-coding transcript variant (1).
Genome position (GRCh38, 1-based): chr16:75,648,187, G>T. VCF-style: chr16-75648187-G-T. GRCh37 (hg19) VCF-style: chr16-75682085-G-T.
Other names: short protein forms G102V.
Identifiers: ClinVar variation 1799355 (VCV001799355.5), dbSNP rs907731508, ClinGen allele CA284334363.